The following is an entry in ClinVar:

ClinVar aggregate classification (germline): Uncertain significance (1 of 4 stars; one submission).

Conditions:
Inborn genetic diseases. Identifiers: MedGen C0950123, MeSH D030342.

Submission:

Ambry Genetics
Classification: Uncertain significance for Inborn genetic diseases. Last evaluated: 2026-07-28. Review status: criteria provided, single submitter. Criteria: Ambry Variant Classification Scheme 2023. Collection method: clinical testing. Allele origin: germline.
Comment: The p.I568M variant (also known as c.1704T>G), located in coding exon 10 of the FANCM gene, results from a T to G substitution at nucleotide position 1704. The isoleucine at codon 568 is replaced by methionine, an amino acid with highly similar properties. This amino acid position is conserved. In addition, this alteration is predicted to be tolerated by in silico analysis. Based on the available evidence, the clinical significance of this variant remains unclear.

NM_020937.4(FANCM):c.1704T>G (p.Ile568Met)

Gene: FANCM (FA complementation group M; plus strand). Cytogenetic location: 14q21.2.
Variant type: single nucleotide variant.
Coding change: c.1704T>G on transcript NM_020937.4 (MANE Select); coding-DNA position 1704, T replaced by G.
Protein change: p.Ile568Met; replaces isoleucine 568 with methionine.
Molecular consequence: missense variant.
Genome position (GRCh38, 1-based): chr14:45,164,481, T>G. VCF-style: chr14-45164481-T-G. GRCh37 (hg19) VCF-style: chr14-45633684-T-G.
Other names: c.1626T>G, p.Ile542Met (NM_001308133.2); c.1704T>G, p.Ile568Met (NM_001308134.2); short protein forms I542M, I568M.
Identifiers: ClinVar variation 5036653 (VCV005036653.1).